The following is an entry in ClinVar:

ClinVar aggregate classification (germline): Pathogenic (1 of 4 stars; one submission).

Conditions:
Neurofibromatosis, type 1 (NF1). Also called: Peripheral type neurofibromatosis; Neurofibromatosis, type I; VON RECKLINGHAUSEN DISEASE; NEUROFIBROMATOSIS, TYPE I, SOMATIC. Identifiers: Orphanet 636, MedGen C0027831, MONDO:0018975, OMIM 162200. Disease mechanism: loss of function.

Submission:

Labcorp Genetics (formerly Invitae), Labcorp
Classification: Pathogenic for Neurofibromatosis, type 1. Last evaluated: 2024-12-17. Review status: criteria provided, single submitter. Criteria: Invitae Variant Classification Sherloc (09022015). Collection method: clinical testing. Allele origin: germline.
Comment: This sequence change creates a premature translational stop signal (p.Gln1188Profs*7) in the NF1 gene. It is expected to result in an absent or disrupted protein product. Loss-of-function variants in NF1 are known to be pathogenic (PMID: 10712197, 23913538). This variant is not present in population databases (gnomAD no frequency). This variant has not been reported in the literature in individuals affected with NF1-related conditions. ClinVar contains an entry for this variant (Variation ID: 1410859). For these reasons, this variant has been classified as Pathogenic.

Literature cited by the submitters: PubMed 10712197; PubMed 23913538.

NM_001042492.3(NF1):c.3562dup (p.Gln1188fs)

Gene: NF1 (neurofibromin 1; plus strand). Cytogenetic location: 17q11.2.
Variant type: Duplication.
Coding change: c.3562dup on transcript NM_001042492.3 (MANE Select); coding-DNA position 3562, one base duplicated (C; older notation c.3562dupC).
Protein change: p.Gln1188fs; shifts the reading frame from glutamine 1188.
Molecular consequence: frameshift variant.
Genome position (GRCh38, 1-based): chr17:31,233,067, C duplicated. VCF-style (leftmost placement, unchanged base first): chr17-31233066-T-TC. GRCh37 (hg19) VCF-style: chr17-29560084-T-TC.
Other names: c.3562dup, p.Gln1188Profs (NM_000267.4); short protein forms Q1188fs.
Identifiers: ClinVar variation 1410859 (VCV001410859.6), dbSNP rs2151435433, ClinGen allele CA2573153355.